The following is an entry in ClinVar:

NM_032447.5(FBN3):c.1699G>A (p.Gly567Ser)

Gene: FBN3 (fibrillin 3; minus strand). Cytogenetic location: 19p13.2.
Variant type: single nucleotide variant.
Coding change: c.1699G>A on transcript NM_032447.5 (MANE Select); coding-DNA position 1699, G replaced by A.
Protein change: p.Gly567Ser; replaces glycine 567 with serine.
Molecular consequence: missense variant.
Genome position (GRCh38, 1-based): chr19:8,132,999, C>T on the plus strand (G>A on the coding strand, the complement: FBN3 is on the minus strand). VCF-style: chr19-8132999-C-T. GRCh37 (hg19) VCF-style: chr19-8197883-C-T.
Other names: c.1699G>A, p.Gly567Ser (NM_001321431.2); short protein forms G567S.
Identifiers: ClinVar variation 2966692 (VCV002966692.3), dbSNP rs758061496, ClinGen allele CA9153208.

ClinVar aggregate classification (germline): Uncertain significance (1 of 4 stars; one submission).

Allele frequency attached by ClinVar (database versions not stated): TOPMed below 0.00001; gnomAD exomes 0.00001.
gnomAD v4.1: 10 of 1,565,534 alleles (0.00064%); highest among the groups gnomAD compares: East Asian, 0.0047%; no homozygotes.

Submission:

Labcorp Genetics (formerly Invitae), Labcorp
Classification: Uncertain significance. Last evaluated: 2023-03-27. Review status: criteria provided, single submitter. Criteria: Invitae Variant Classification Sherloc (09022015). Collection method: clinical testing. Allele origin: germline.
Comment: This sequence change replaces glycine, which is neutral and non-polar, with serine, which is neutral and polar, at codon 567 of the FBN3 protein (p.Gly567Ser). This variant is not present in population databases (gnomAD no frequency). This variant has not been reported in the literature in individuals affected with FBN3-related conditions. Algorithms developed to predict the effect of missense changes on protein structure and function output the following: SIFT: "Not Available"; PolyPhen-2: "Benign"; Align-GVGD: "Not Available". The serine amino acid residue is found in multiple mammalian species, which suggests that this missense change does not adversely affect protein function. In summary, the available evidence is currently insufficient to determine the role of this variant in disease. Therefore, it has been classified as a Variant of Uncertain Significance.